The following is an entry in ClinVar:

ClinVar aggregate classification (germline): Conflicting classifications of pathogenicity. Review status: criteria provided, conflicting classifications (1 of 4 stars). 14 submissions from 12 submitters: Uncertain significance (2); Benign (4); Likely benign (4). 4 of the submissions do not count toward it. Last evaluated 2026-02-04.

Conditions:
Retinitis pigmentosa (RP). Identifiers: Orphanet 791, MedGen C0035334, MeSH D012174, MONDO:0019200, OMIM 268000. Inheritance: Autosomal dominant, autosomal recessive and X linked inheritance.
Retinitis pigmentosa 39 (RP39). Identifiers: Orphanet 791, MedGen C3151138, MONDO:0013436, OMIM 613809.
Usher syndrome type 2A. Also called: RETINAL DISEASE IN USHER SYNDROME TYPE IIA, MODIFIER OF; USHER SYNDROME, TYPE IIA. Identifiers: Orphanet 231178, Orphanet 886, MedGen C1848634, MONDO:0010169, OMIM 276901.

Allele frequency attached by ClinVar (database versions not stated): gnomAD 0.00003; TOPMed 0.00006; gnomAD exomes 0.00139; ExAC 0.00172; 1000 Genomes Project 30x 0.00187; 1000 Genomes Project 0.00200.
gnomAD v4.1: 1,098 of 1,614,106 alleles (0.068%); highest among the groups gnomAD compares: South Asian, 1.2%; 13 homozygotes.

Submissions (14):

Labcorp Genetics (formerly Invitae), Labcorp
Classification: Benign. Last evaluated: 2026-02-04. Review status: criteria provided, single submitter. Criteria: Invitae Variant Classification Sherloc (09022015). Collection method: clinical testing. Allele origin: germline.

CeGaT Center for Human Genetics Tuebingen
Classification: Likely benign. Last evaluated: 2024-10-01. Review status: criteria provided, single submitter. Criteria: CeGaT Center For Human Genetics Tuebingen Variant Classification Criteria Version 2. Collection method: clinical testing. Allele origin: germline. Affected: yes. Observed: 1 variant allele.
Comment: USH2A: BS1

ARUP Laboratories, Molecular Genetics and Genomics, ARUP Laboratories
Classification: Likely benign. Last evaluated: 2023-11-01. Review status: criteria provided, single submitter. Criteria: ARUP Molecular Germline Variant Investigation Process 2024. Collection method: clinical testing. Allele origin: germline.

Women's Health and Genetics/Laboratory Corporation of America, LabCorp
Classification: Benign. Last evaluated: 2022-03-08. Review status: criteria provided, single submitter. Criteria: LabCorp Variant Classification Summary - May 2015. Collection method: clinical testing. Allele origin: germline.
Comment: Variant summary: USH2A c.3532C>G (p.Pro1178Ala) results in a non-conservative amino acid change in the encoded protein sequence. Four of five in-silico tools predict a damaging effect of the variant on protein function. The variant allele was found at a frequency of 0.0014 in 251032 control chromosomes in the gnomAD database, including 4 homozygotes. This frequency is almost close to that estimated for a pathogenic variant in USH2A causing Usher Syndrome (0.0014 vs 0.011), supporting a benign outcome. To our knowledge, no penetrant association of c.3532C>G in individuals affected with Usher Syndrome and no experimental evidence demonstrating its impact on protein function have been reported. Nine clinical diagnostic laboratories have submitted clinical-significance assessments for this variant to ClinVar after 2014 without evidence for independent evaluation. Multiple laboratories reported the variant with conflicting assessments with a predominant consensus as benign/likely benign (n=7) (VUS, n=2). Based on the evidence outlined above, the variant was classified as benign.

Genome-Nilou Lab
Classification: Uncertain significance for Retinitis pigmentosa 39. Last evaluated: 2021-07-22. Review status: criteria provided, single submitter. Criteria: ACMG Guidelines, 2015. Collection method: clinical testing. Allele origin: germline. Affected: no.

Genome-Nilou Lab
Classification: Likely benign for Usher syndrome type 2A. Last evaluated: 2021-05-18. Review status: criteria provided, single submitter. Criteria: ACMG Guidelines, 2015. Collection method: clinical testing. Allele origin: germline. Affected: no.

GeneDx
Classification: Benign. Last evaluated: 2018-11-02. Review status: criteria provided, single submitter. Criteria: GeneDx Variant Classification Process June 2021. Collection method: clinical testing. Allele origin: germline. Affected: yes.
Comment: This variant is associated with the following publications: (PMID: 31047384, 33120657)

Illumina Laboratory Services, Illumina
Classification: Uncertain significance for Retinitis pigmentosa. Last evaluated: 2018-01-12. Review status: criteria provided, single submitter. Criteria: ICSL Variant Classification Criteria 13 December 2019. Collection method: clinical testing. Allele origin: germline.

Illumina Laboratory Services, Illumina
Classification: Likely benign for Usher syndrome type 2A. Last evaluated: 2018-01-12. Review status: criteria provided, single submitter. Criteria: ICSL Variant Classification Criteria 13 December 2019. Collection method: clinical testing. Allele origin: germline.
Comment: This variant was observed in the ICSL laboratory as part of a predisposition screen in an ostensibly healthy population. It had not been previously curated by ICSL or reported in the Human Gene Mutation Database (HGMD: prior to June 1st, 2018), and was therefore a candidate for classification through an automated scoring system. Utilizing variant allele frequency, disease prevalence and penetrance estimates, and inheritance mode, an automated score was calculated to assess if this variant is too frequent to cause the disease. Based on the score and internal cut-off values, a variant classified as likely benign is not then subjected to further curation. The score for this variant resulted in a classification of likely benign for this disease.

Laboratory for Molecular Medicine, Mass General Brigham Personalized Medicine
Classification: Benign. Last evaluated: 2017-08-23. Review status: criteria provided, single submitter. Criteria: LMM Criteria. Collection method: clinical testing. Allele origin: germline. Observed: 2 variant alleles.
Comment: p.Pro1178Ala in exon 17 of USH2A: This variant is not expected to have clinical significance because it has been identified in 1.24% (205/16512) of South Asian chromosomes by the Exome Aggregation Consortium (ExAC; dbSNP rs372081834).

Natera, Inc.
Classification: Benign for Usher syndrome type 2A. Last evaluated: 2020-04-30. Review status: no assertion criteria provided. Collection method: clinical testing. Allele origin: germline. Not counted in ClinVar's aggregate classification.

Clinical Genetics DNA and cytogenetics Diagnostics Lab, Erasmus MC, Erasmus Medical Center
Classification: Likely benign. Review status: no assertion criteria provided. Collection method: clinical testing. Allele origin: germline. Affected: yes. Study: VKGL Data-share Consensus. Not counted in ClinVar's aggregate classification.

Clinical Genetics, Academic Medical Center
Classification: Likely benign. Review status: no assertion criteria provided. Collection method: clinical testing. Allele origin: germline. Affected: yes. Study: VKGL Data-share Consensus. Not counted in ClinVar's aggregate classification.

Joint Genome Diagnostic Labs from Nijmegen and Maastricht, Radboudumc and MUMC+
Classification: Likely benign. Review status: no assertion criteria provided. Collection method: clinical testing. Allele origin: germline. Affected: yes. Study: VKGL Data-share Consensus. Not counted in ClinVar's aggregate classification.

NM_206933.4(USH2A):c.3532C>G (p.Pro1178Ala)

Genes: USH2A (usherin; minus strand), USH2A-AS1 (USH2A antisense RNA 1; plus strand). Cytogenetic location: 1q41.
Variant type: single nucleotide variant.
Coding change: c.3532C>G on transcript NM_206933.4 (MANE Select); coding-DNA position 3532, C replaced by G.
Protein change: p.Pro1178Ala; replaces proline 1178 with alanine.
Molecular consequence: missense variant.
Genome position (GRCh38, 1-based): chr1:216,199,906, G>C on the plus strand (C>G on the coding strand, the complement: USH2A is on the minus strand). VCF-style: chr1-216199906-G-C. GRCh37 (hg19) VCF-style: chr1-216373248-G-C.
Other names: c.3532C>G, p.Pro1178Ala (NM_007123.6); short protein forms P1178A.
Identifiers: ClinVar variation 295431 (VCV000295431.51), dbSNP rs372081834, ClinGen allele CA1395972.
Genomic context (GRCh38, chr1:216,199,906, plus strand): 5'-AGGAAACACATGGCTGACCACCAGCCAAAGGGGCACAGGACAAAATATATTTCTCTATGG[G>C]ACCAGATTGATTTGAGAGTGTTGTCCAGGTAAGTGTCACAGAGTCTGAGCCAATAGGAAT-3'
Protein context (NP_996816.3, residues 1168-1188): TWTTLSNQSG[Pro1178Ala]IEKYILSCAP